The following is an entry in ClinVar:

NM_000295.5(SERPINA1):c.1178C>A (p.Pro393His)

Gene: SERPINA1 (serpin family A member 1; minus strand). Cytogenetic location: 14q32.13.
Variant type: single nucleotide variant.
Coding change: c.1178C>A on transcript NM_000295.5 (MANE Select); coding-DNA position 1178, C replaced by A.
Protein change: p.Pro393His; replaces proline 393 with histidine.
Molecular consequence: missense variant.
Genome position (GRCh38, 1-based): chr14:94,378,528, G>T on the plus strand (C>A on the coding strand, the complement: SERPINA1 is on the minus strand). VCF-style: chr14-94378528-G-T. GRCh37 (hg19) VCF-style: chr14-94844865-G-T.
Other names: c.1178C>A, p.Pro393His (NM_001002235.3, NM_001002236.3, NM_001127700.2 and 7 more transcripts); short protein forms P393H.
Identifiers: ClinVar variation 2577260 (VCV002577260.1), dbSNP rs199422209, ClinGen allele CA7327255.

ClinVar aggregate classification (germline): Uncertain significance (1 of 4 stars; one submission).

gnomAD v4.1: 24 of 1,614,090 alleles (0.0015%); highest among the groups gnomAD compares: South Asian, 0.024%; no homozygotes.

Submission:

Women's Health and Genetics/Laboratory Corporation of America, LabCorp
Classification: Uncertain significance. Last evaluated: 2023-07-25. Review status: criteria provided, single submitter. Criteria: LabCorp Variant Classification Summary - May 2015. Collection method: clinical testing. Allele origin: germline.
Comment: Variant summary: SERPINA1 c.1178C>A (p.Pro393His) results in a non-conservative amino acid change located in the Serpin domain (IPR023796) of the encoded protein sequence. Five of five in-silico tools predict a damaging effect of the variant on protein function. The variant allele was found at a frequency of 3.2e-05 in 251476 control chromosomes (gnomAD). The available data on variant occurrences in the general population are insufficient to allow any conclusion about variant significance. c.1178C>A has been reported in the literature in at least one individual affected with Alpha-1-Antitrypsin Deficiency (Kueppers_2019). These data do not allow any conclusion about variant significance. To our knowledge, no experimental evidence demonstrating an impact on protein function has been reported. The following publication has been ascertained in the context of this evaluation (PMID: 31307431). No submitters have cited clinical-significance assessments for this variant to ClinVar after 2014. Based on the evidence outlined above, the variant was classified as uncertain significance.

Literature cited by the submitters: PubMed 31307431.